The following is an entry in ClinVar:

NM_006158.5(NEFL):c.1044+2T>G

Gene: NEFL (neurofilament light chain; minus strand). Cytogenetic location: 8p21.2.
Variant type: single nucleotide variant.
Coding change: c.1044+2T>G on transcript NM_006158.5 (MANE Select); the canonical splice donor site of the intron after coding-DNA position 1044, T replaced by G.
Molecular consequence: splice donor variant.
Genome position (GRCh38, 1-based): chr8:24,955,470, A>C on the plus strand (T>G on the coding strand, the complement: NEFL is on the minus strand). VCF-style: chr8-24955470-A-C. GRCh37 (hg19) VCF-style: chr8-24812984-A-C.
Identifiers: ClinVar variation 2188761 (VCV002188761.4), dbSNP rs1586127899, ClinGen allele CA370621056.
Genomic context (GRCh38, chr8:24,955,470, plus strand): 5'-GCGCACCAACTCCCCCCCTTGCTCGAGTCCCCCGCCCCCCTGTGTTTCTGGCCGTGCCGC[A>C]CCTGCATAGCGCTGATGTCGGCGTTCTGCTTGTCCTCCAGCTCCTGCAGCTGCTTCTCCA-3'

ClinVar aggregate classification (germline): Likely pathogenic (1 of 4 stars; one submission).

Conditions:
Charcot-Marie-Tooth disease type 2E (CMT2E). Also called: CHARCOT-MARIE-TOOTH DISEASE, AXONAL, TYPE 2E; CHARCOT-MARIE-TOOTH NEUROPATHY, TYPE 2E. Identifiers: Orphanet 99939, MedGen C1843225, MONDO:0011894, OMIM 607684.

Submission:

Labcorp Genetics (formerly Invitae), Labcorp
Classification: Likely pathogenic for Charcot-Marie-Tooth disease type 2E. Last evaluated: 2022-07-30. Review status: criteria provided, single submitter. Criteria: Invitae Variant Classification Sherloc (09022015). Collection method: clinical testing. Allele origin: germline.
Comment: In summary, the currently available evidence indicates that the variant is pathogenic, but additional data are needed to prove that conclusively. Therefore, this variant has been classified as Likely Pathogenic. Algorithms developed to predict the effect of sequence changes on RNA splicing suggest that this variant may disrupt the consensus splice site. This variant has not been reported in the literature in individuals affected with NEFL-related conditions. This variant is not present in population databases (gnomAD no frequency). This sequence change affects a donor splice site in intron 1 of the NEFL gene. It is expected to disrupt RNA splicing. Variants that disrupt the donor or acceptor splice site typically lead to a loss of protein function (PMID: 16199547), and loss-of-function variants in NEFL are known to be pathogenic (PMID: 19158810, 20039262).

Literature cited by the submitters: PubMed 16199547; PubMed 19158810; PubMed 20039262.